The following is an entry in ClinVar:

NM_152657.4(GGN):c.764del (p.Pro255fs)

Gene: GGN (gametogenetin; minus strand). Cytogenetic location: 19q13.2.
Variant type: Deletion.
Coding change: c.764del on transcript NM_152657.4 (MANE Select); coding-DNA position 764, one base deleted (C; older notation c.764delC).
Protein change: p.Pro255fs; shifts the reading frame from proline 255.
Molecular consequence: frameshift variant.
Genome position (GRCh38, 1-based): chr19:38,386,498, G deleted on the plus strand (C on the coding strand, the reverse complement: GGN is on the minus strand); the first of 4 consecutive G bases (chr19:38,386,498-38,386,501); deleting any one gives the same sequence. VCF-style (leftmost placement, unchanged base first): chr19-38386497-AG-A. GRCh37 (hg19) VCF-style: chr19-38877137-AG-A.
Other names: short protein forms P255fs.
Identifiers: ClinVar variation 4993718 (VCV004993718.1).

ClinVar aggregate classification (germline): Uncertain significance (1 of 4 stars; one submission).

Conditions:
GGN-related disorder. Also called: GGN-related condition.

Submission:

PreventionGenetics, part of Exact Sciences
Classification: Uncertain significance for GGN-related condition. Last evaluated: 2026-09-21. Review status: criteria provided, single submitter. Criteria: ACMG Guidelines, 2015. Collection method: clinical testing. Allele origin: germline.
Comment: The GGN c.764delC variant is predicted to result in a frameshift and premature protein termination (p.Pro255Leufs*8). To our knowledge, this variant has not been reported in the literature or in a large population database (gnomAD), indicating this variant is rare. A limited number of GGN frameshift and nonsense variants have been reported; therefore, loss of function is not an established mechanism of GGN-associated disease. Although we suspect that this variant may be pathogenic, at this time, the clinical significance of this variant is uncertain due to the absence of conclusive functional and genetic evidence.